The following is an entry in ClinVar:

NM_000059.4(BRCA2):c.5573_5574del (p.Thr1858fs)

Gene: BRCA2 (BRCA2 DNA repair associated; plus strand). Cytogenetic location: 13q13.1.
Variant type: Deletion.
Coding change: c.5573_5574del on transcript NM_000059.4 (MANE Select); coding-DNA positions 5573 to 5574, 2 bases deleted (CA; older notation c.5573_5574delCA).
Protein change: p.Thr1858fs; shifts the reading frame from threonine 1858.
Molecular consequence: frameshift variant. On other transcripts: non-coding transcript variant (1), intron variant (2).
Genome position (GRCh38, 1-based): chr13:32,339,928-32,339,929, CA deleted; deleting any 2 consecutive bases within chr13:32,339,927-32,339,929 gives the same sequence; the c. name uses the placement nearest the transcript's 3' end. VCF-style (leftmost placement, unchanged base first): chr13-32339926-AAC-A. GRCh37 (hg19) VCF-style: chr13-32914063-AAC-A.
Other names: c.5573_5574delCA (NM_000059.4); c.5573_5574del, p.Thr1858fs (NM_001406719.1, NM_001406720.1); c.1910-4630_1910-4629del (NM_001406721.1); c.425-4630_425-4629del (NM_001406722.1); short protein forms T1858fs.
Identifiers: ClinVar variation 3254395 (VCV003254395.2), dbSNP rs2548531160.

ClinVar aggregate classification (germline): Pathogenic. Review status: criteria provided, multiple submitters, no conflicts (2 of 4 stars). 2 submissions from 2 submitters: Pathogenic (2). Last evaluated 2024-07-16.

Conditions:
Breast-ovarian cancer, familial, susceptibility to, 2 (BROVCA2). Also called: BRCA2 Hereditary Breast and Ovarian Cancer. Identifiers: Orphanet 145, MedGen C2675520, MONDO:0012933, OMIM 612555. Disease mechanism: loss of function.
Hereditary breast ovarian cancer syndrome. Also called: Breast and ovarian cancer; Hereditary breast and ovarian cancer syndrome; Hereditary breast and ovarian cancer; BRCA1- and BRCA2-Associated Hereditary Breast and Ovarian Cancer; Hereditary breast and ovarian cancer syndrome (HBOC); Hereditary breast and/or ovarian cancer syndrome. Identifiers: Orphanet 145, MedGen C0677776, MeSH D061325, MONDO:0003582. Disease mechanism: loss of function.

Submissions (2):

Women's Health and Genetics/Laboratory Corporation of America, LabCorp
Classification: Pathogenic for Hereditary breast ovarian cancer syndrome. Last evaluated: 2024-07-16. Review status: criteria provided, single submitter. Criteria: LabCorp Variant Classification Summary - May 2015. Collection method: clinical testing. Allele origin: germline.
Comment: Variant summary: BRCA2 c.5573_5574delCA (p.Thr1858AsnfsX2) results in a premature termination codon, predicted to cause a truncation of the encoded protein or absence of the protein due to nonsense mediated decay, which are commonly known mechanisms for disease. The variant was absent in 245640 control chromosomes (gnomAD). c.5573_5574delCA has been reported in the literature in an individual affected with ovarian cancer (Kechin_2023). To our knowledge, no experimental evidence demonstrating an impact on protein function has been reported. The following publication have been ascertained in the context of this evaluation (PMID: 36367610). No submitters have cited clinical-significance assessments for this variant to ClinVar. Based on the evidence outlined above, the variant was classified as pathogenic.

Myriad Genetics, Inc.
Classification: Pathogenic for Breast-ovarian cancer, familial, susceptibility to, 2. Last evaluated: 2024-05-30. Review status: criteria provided, single submitter. Criteria: Myriad Autosomal Dominant, Autosomal Recessive and X-Linked Classification Criteria (2023). Collection method: clinical testing. Allele origin: unknown.
Comment: This variant is considered pathogenic. This variant creates a frameshift predicted to result in premature protein truncation.

Literature cited by the submitters: PubMed 36367610 (cited by Women's Health and Genetics/Laboratory Corporation of America, LabCorp).